The following is an entry in ClinVar:

ClinVar aggregate classification (germline): Uncertain significance. Review status: criteria provided, multiple submitters, no conflicts (2 of 4 stars). 3 submissions from 3 submitters: Uncertain significance (3). Last evaluated 2025-12-15.

Conditions:
Inborn genetic diseases. Identifiers: MedGen C0950123, MeSH D030342.

gnomAD v4.1: 3 of 1,614,124 alleles (0.00019%); highest among the groups gnomAD compares: Non-Finnish European, 0.00017%; no homozygotes.

Submissions (3):

Ambry Genetics
Classification: Uncertain significance for Inborn genetic diseases. Last evaluated: 2025-12-15. Review status: criteria provided, single submitter. Criteria: Ambry Variant Classification Scheme 2023. Collection method: clinical testing. Allele origin: germline.
Comment: The c.6295G>T (p.A2099S) alteration is located in exon 20 (coding exon 20) of the ARID1A gene. This alteration results from a G to T substitution at nucleotide position 6295, causing the alanine (A) at amino acid position 2099 to be replaced by a serine (S). Based on data from gnomAD, the T allele has an overall frequency of <0.001% (1/251462) total alleles studied. The highest observed frequency was 0.001% (1/113754) of European (non-Finnish) alleles. Based on insufficient or conflicting evidence, the clinical significance of this alteration remains unclear.

Labcorp Genetics (formerly Invitae), Labcorp
Classification: Uncertain significance. Last evaluated: 2024-02-24. Review status: criteria provided, single submitter. Criteria: Invitae Variant Classification Sherloc (09022015). Collection method: clinical testing. Allele origin: germline.
Comment: This sequence change replaces alanine, which is neutral and non-polar, with serine, which is neutral and polar, at codon 2099 of the ARID1A protein (p.Ala2099Ser). This variant is present in population databases (no rsID available, gnomAD 0.0009%). This variant has not been reported in the literature in individuals affected with ARID1A-related conditions. Advanced modeling of protein sequence and biophysical properties (such as structural, functional, and spatial information, amino acid conservation, physicochemical variation, residue mobility, and thermodynamic stability) has been performed at Invitae for this missense variant, however the output from this modeling did not meet the statistical confidence thresholds required to predict the impact of this variant on ARID1A protein function. In summary, the available evidence is currently insufficient to determine the role of this variant in disease. Therefore, it has been classified as a Variant of Uncertain Significance.

GeneDx
Classification: Uncertain significance. Last evaluated: 2023-06-15. Review status: criteria provided, single submitter. Criteria: GeneDx Variant Classification Process June 2021. Collection method: clinical testing. Allele origin: germline. Affected: yes.
Comment: In silico analysis supports that this missense variant has a deleterious effect on protein structure/function; Has not been previously published as pathogenic or benign to our knowledge

NM_006015.6(ARID1A):c.6295G>T (p.Ala2099Ser)

Gene: ARID1A (AT-rich interaction domain 1A; plus strand). Cytogenetic location: 1p36.11.
Variant type: single nucleotide variant.
Coding change: c.6295G>T on transcript NM_006015.6 (MANE Select); coding-DNA position 6295, G replaced by T.
Protein change: p.Ala2099Ser; replaces alanine 2099 with serine.
Molecular consequence: missense variant.
Genome position (GRCh38, 1-based): chr1:26,780,193, G>T. VCF-style: chr1-26780193-G-T. GRCh37 (hg19) VCF-style: chr1-27106684-G-T.
Other names: c.5644G>T, p.Ala1882Ser (NM_139135.4); short protein forms A1882S, A2099S.
Identifiers: ClinVar variation 3359980 (VCV003359980.4).